The following is an entry in ClinVar:

ClinVar aggregate classification (germline): Uncertain significance (1 of 4 stars; one submission).

Submission:

Labcorp Genetics (formerly Invitae), Labcorp
Classification: Uncertain significance. Last evaluated: 2025-09-19. Review status: criteria provided, single submitter. Criteria: Invitae Variant Classification Sherloc (09022015). Collection method: clinical testing. Allele origin: germline.
Comment: This sequence change replaces arginine, which is basic and polar, with leucine, which is neutral and non-polar, at codon 53 of the COL2A1 protein (p.Arg53Leu). This variant is not present in population databases (gnomAD no frequency). This variant has not been reported in the literature in individuals affected with COL2A1-related conditions. Invitae Evidence Modeling of protein sequence and biophysical properties (such as structural, functional, and spatial information, amino acid conservation, physicochemical variation, residue mobility, and thermodynamic stability) indicates that this missense variant is not expected to disrupt COL2A1 protein function with a negative predictive value of 95%. In summary, the available evidence is currently insufficient to determine the role of this variant in disease. Therefore, it has been classified as a Variant of Uncertain Significance.

NM_001844.5(COL2A1):c.158G>T (p.Arg53Leu)

Gene: COL2A1 (collagen type II alpha 1 chain; minus strand). Cytogenetic location: 12q13.11.
Variant type: single nucleotide variant.
Coding change: c.158G>T on transcript NM_001844.5 (MANE Select); coding-DNA position 158, G replaced by T.
Protein change: p.Arg53Leu; replaces arginine 53 with leucine.
Molecular consequence: missense variant. On other transcripts: intron variant (1).
Genome position (GRCh38, 1-based): chr12:48,000,053, C>A on the plus strand (G>T on the coding strand, the complement: COL2A1 is on the minus strand). VCF-style: chr12-48000053-C-A. GRCh37 (hg19) VCF-style: chr12-48393836-C-A.
Other names: c.86-1622G>T (NM_033150.3); short protein forms R53L.
Identifiers: ClinVar variation 4761337 (VCV004761337.1).